The following is an entry in ClinVar:

NM_000038.6(APC):c.6793C>T (p.Gln2265Ter)

Gene: APC (APC regulator of Wnt signaling pathway; plus strand). Cytogenetic location: 5q22.2.
Variant type: single nucleotide variant.
Coding change: c.6793C>T on transcript NM_000038.6 (MANE Select); coding-DNA position 6793, C replaced by T.
Protein change: p.Gln2265Ter; replaces glutamine 2265 with a stop codon.
Molecular consequence: nonsense. On other transcripts: non-coding transcript variant (2).
Genome position (GRCh38, 1-based): chr5:112,842,387, C>T. VCF-style: chr5-112842387-C-T. GRCh37 (hg19) VCF-style: chr5-112178084-C-T.
Other names: c.6793C>T, p.Gln2265Ter (NM_001127510.3, NM_001354895.2, NM_001407450.1); c.6739C>T, p.Gln2247Ter (NM_001127511.3); c.6847C>T, p.Gln2283Ter (NM_001354896.2, NM_001407447.1, NM_001407448.1 and 1 more transcripts); c.6823C>T, p.Gln2275Ter (NM_001354897.2); c.6718C>T, p.Gln2240Ter (NM_001354898.2); c.6709C>T, p.Gln2237Ter (NM_001354899.2); c.6670C>T, p.Gln2224Ter (NM_001354900.2); c.6616C>T, p.Gln2206Ter (NM_001354901.2, NM_001407453.1); and 11 more; short protein forms Q1881*, Q1982*, Q2105*, Q2136*, Q2139*, Q2164*, Q2174*, Q2182*.
Identifiers: ClinVar variation 5042405 (VCV005042405.1).

ClinVar aggregate classification (germline): Pathogenic (1 of 4 stars; one submission).

Conditions:
Familial adenomatous polyposis 1 (FAP1). Also called: POLYPOSIS, ADENOMATOUS INTESTINAL; FAMILIAL ADENOMATOUS POLYPOSIS 1, ATTENUATED. Identifiers: MedGen C2713442, MONDO:0021056, OMIM 175100. Disease mechanism: loss of function.

Submission:

Myriad Genetics, Inc.
Classification: Pathogenic for Familial adenomatous polyposis 1. Last evaluated: 2026-07-10. Review status: criteria provided, single submitter. Criteria: Myriad Autosomal Dominant, Autosomal Recessive and X-Linked Classification Criteria (2023). Collection method: clinical testing. Allele origin: unknown.
Comment: This variant is considered pathogenic. This variant creates a termination codon and is predicted to result in premature protein truncation.